The following is an entry in ClinVar:

ClinVar aggregate classification (germline): Pathogenic (1 of 4 stars; one submission).

Conditions:
Cornelia de Lange syndrome 3 (CDLS3). Also called: SMC3-Related Cornelia de Lange Syndrome; CORNELIA DE LANGE SYNDROME 3 WITH OR WITHOUT MIDLINE BRAIN DEFECTS. Identifiers: Orphanet 199, MedGen C1853099, MONDO:0012555, OMIM 610759.

Submission:

Labcorp Genetics (formerly Invitae), Labcorp
Classification: Pathogenic for Cornelia de Lange syndrome 3. Last evaluated: 2024-11-25. Review status: criteria provided, single submitter. Criteria: Invitae Variant Classification Sherloc (09022015). Collection method: clinical testing. Allele origin: germline.
Comment: This sequence change creates a premature translational stop signal (p.Glu844*) in the SMC3 gene. It is expected to result in an absent or disrupted protein product. Loss-of-function variants in SMC3 are known to be pathogenic (PMID: 17273969, 38297832). This variant is not present in population databases (gnomAD no frequency). This variant has not been reported in the literature in individuals affected with SMC3-related conditions. ClinVar contains an entry for this variant (Variation ID: 2695095). For these reasons, this variant has been classified as Pathogenic.

Literature cited by the submitters: PubMed 17273969; PubMed 38297832.

NM_005445.4(SMC3):c.2530G>T (p.Glu844Ter)

Gene: SMC3 (structural maintenance of chromosomes 3; plus strand). Cytogenetic location: 10q25.2.
Variant type: single nucleotide variant.
Coding change: c.2530G>T on transcript NM_005445.4 (MANE Select); coding-DNA position 2530, G replaced by T.
Protein change: p.Glu844Ter; replaces glutamic acid 844 with a stop codon.
Molecular consequence: nonsense.
Genome position (GRCh38, 1-based): chr10:110,600,541, G>T. VCF-style: chr10-110600541-G-T. GRCh37 (hg19) VCF-style: chr10-112360299-G-T.
Other names: short protein forms E844*.
Identifiers: ClinVar variation 2695095 (VCV002695095.3), dbSNP rs2493145293, ClinGen allele CA378393079.